The following is an entry in ClinVar:

ClinVar aggregate classification (germline): Uncertain significance. Review status: reviewed by expert panel (3 of 4 stars). 2 submissions from 2 submitters: Uncertain significance (1). 1 of the submissions does not count toward it. Last evaluated 2025-08-01.

Conditions:
Malignant hyperthermia, susceptibility to, 1 (MHS1). Also called: Anesthesia related hyperthermia; Malignant hyperpyrexia; Fulminating hyperpyrexia; Pharmacogenic myopathy; RYR1-Related Malignant Hyperthermia Susceptibility; Malignant hyperthermia suceptibility 1. Identifiers: Orphanet 423, MedGen C2930980, MONDO:0007783, OMIM 145600.
Malignant hyperthermia of anesthesia. Also called: Anesthesic-triggered malignant hyperthermia. Identifiers: Orphanet 423, MedGen C0024591, MONDO:0018493, HP:0034733.

Submissions (2):

ClinGen Malignant Hyperthermia Susceptibility Variant Curation Expert Panel, ClinGen
Classification: Uncertain significance for Malignant hyperthermia of anesthesia. Last evaluated: 2025-08-01. Review status: reviewed by expert panel. Criteria: ClinGen MHS ACMG Specifications V2. Collection method: curation. Allele origin: germline. Inheritance: Autosomal dominant inheritance.
Comment: This pathogenicity assessment is relevant only for malignant hyperthermia susceptibility (MHS) inherited in an autosomal dominant pattern. Variants in RYR1 can also cause other myopathies inherited in an autosomal dominant pattern or in an autosomal recessive pattern. Some of these disorders may predispose individuals to malignant hyperthermia. RYR1 variants may also contribute to a malignant hyperthermia reaction in combination with other genetic and non-genetic factors and the clinician needs to consider such factors in making management decisions. This sequence variant predicts a substitution of glycine with valine at codon 4178 of the RYR1 protein, p.(Gly4178Val). This variant was not present in a large population database (gnomAD) at the time this variant was interpreted. This variant has been reported in three unrelated individuals who have a personal or family history of a malignant hyperthermia reaction, all of these individuals had a positive in vitro contracture test (IVCT) or caffeine halothane contracture test (CHCT) result (if the proband was unavailable for testing, a positive diagnostic test result in a mutation-positive relative was counted), PS4_Moderate (PMID 23558838, 25735680, 30236257). No functional studies were identified for this variant. This variant does not reside in a hotspot for pathogenic variants that contribute to MHS. A REVEL score >0.85 (0.918) supports a pathogenic status for this variant, PP3_Moderate. This variant has been classified as a Variant of Unknown Significance. Criteria implemented: PS4_Moderate, PP3_Moderate.

PreventionGenetics, part of Exact Sciences
Classification: Likely pathogenic for Malignant hyperthermia, susceptibility to, 1. Last evaluated: 2026-02-20. Review status: criteria provided, single submitter. Criteria: ACMG Guidelines, 2015. Collection method: clinical testing. Allele origin: germline. Not counted in ClinVar's aggregate classification.
Comment: This variant has been reported in at least three unrelated individuals with malignant hyperthermia susceptibility (MHS; Web Supplement, Brandom et al. 2013. PubMed ID: 23558838; Gillies et al. 2015. PubMed ID: 25735680; Table S1, Miller et al. 2018. PubMed ID: 30236257). This variant has also been observed to co-segregate with MHS across several generations in a large family tested at PreventionGenetics (Internal Data). This variant or other missense changes at this position have not been reported in a large population database (gnomAD), indicating this variant is rare. An alternate missense change of the same amino acid (p.Gly4178Ser) has also been reported in an individual with MHS (Klingler et al. 2014. PubMed ID: 24433488). Taken together, the p.Gly4178Val variant is interpreted as likely pathogenic for RYR1-related malignant hyperthermia susceptibility.

NM_000540.3(RYR1):c.12533G>T (p.Gly4178Val)

Gene: RYR1 (ryanodine receptor 1; plus strand). Cytogenetic location: 19q13.2.
Variant type: single nucleotide variant.
Coding change: c.12533G>T on transcript NM_000540.3 (MANE Select); coding-DNA position 12533, G replaced by T.
Protein change: p.Gly4178Val; replaces glycine 4178 with valine.
Molecular consequence: missense variant.
Genome position (GRCh38, 1-based): chr19:38,561,363, G>T. VCF-style: chr19-38561363-G-T. GRCh37 (hg19) VCF-style: chr19-39052003-G-T.
Other names: c.12518G>T, p.Gly4173Val (NM_001042723.2); c.12533G>T (NM_000540.2); short protein forms G4178V, G4173V.
Identifiers: ClinVar variation 590405 (VCV000590405.7), dbSNP rs1568576165, ClinGen allele CA405669539.